The following is an entry in ClinVar:

NM_000110.4(DPYD):c.1609A>C (p.Met537Leu)

Gene: DPYD (dihydropyrimidine dehydrogenase; minus strand). Cytogenetic location: 1p21.3.
Variant type: single nucleotide variant.
Coding change: c.1609A>C on transcript NM_000110.4 (MANE Select); coding-DNA position 1609, A replaced by C.
Protein change: p.Met537Leu; replaces methionine 537 with leucine.
Molecular consequence: missense variant.
Genome position (GRCh38, 1-based): chr1:97,515,857, T>G on the plus strand (A>C on the coding strand, the complement: DPYD is on the minus strand). VCF-style: chr1-97515857-T-G. GRCh37 (hg19) VCF-style: chr1-97981413-T-G.
Other names: short protein forms M537L.
Identifiers: ClinVar variation 4617944 (VCV004617944.1).
Genomic context (GRCh38, chr1:97,515,857, plus strand): 5'-TGCTGGTGGCTGGAGTTGCGCTAGCAAGACCAAAAGGATTTATAAACTTCAATCCGGCCA[T>G]TTCTACACTAATGTCCACCAGATCAATAGGAGTGTAAAAGAGGGGTAGTTCAGGCTTGGC-3'
Protein context (NP_000101.2, residues 527-547): PIDLVDISVE[Met537Leu]AGLKFINPFG

ClinVar aggregate classification (germline): Uncertain significance (1 of 4 stars; one submission).

Conditions:
Inborn genetic diseases. Identifiers: MedGen C0950123, MeSH D030342.

gnomAD v4.1: 4 of 1,612,976 alleles (0.00025%); highest among the groups gnomAD compares: Non-Finnish European, 0.00034%; no homozygotes.

Submission:

Ambry Genetics
Classification: Uncertain significance for Inborn genetic diseases. Last evaluated: 2025-11-04. Review status: criteria provided, single submitter. Criteria: Ambry Variant Classification Scheme 2023. Collection method: clinical testing. Allele origin: germline.
Comment: The p.M537L variant (also known as c.1609A>C), located in coding exon 13 of the DPYD gene, results from an A to C substitution at nucleotide position 1609. The methionine at codon 537 is replaced by leucine, an amino acid with highly similar properties. This amino acid position is conserved. In addition, this alteration is predicted to be tolerated by in silico analysis. Based on the available evidence, the clinical significance of this variant remains unclear.